The following is an entry in ClinVar:

NM_001605.3(AARS1):c.1819G>A (p.Ala607Thr)

Gene: AARS1 (alanyl-tRNA synthetase 1; minus strand). Cytogenetic location: 16q22.1.
Variant type: single nucleotide variant.
Coding change: c.1819G>A on transcript NM_001605.3 (MANE Select); coding-DNA position 1819, G replaced by A.
Protein change: p.Ala607Thr; replaces alanine 607 with threonine.
Molecular consequence: missense variant.
Genome position (GRCh38, 1-based): chr16:70,259,153, C>T on the plus strand (G>A on the coding strand, the complement: AARS1 is on the minus strand). VCF-style: chr16-70259153-C-T. GRCh37 (hg19) VCF-style: chr16-70293056-C-T.
Other names: short protein forms A607T.
Identifiers: ClinVar variation 1051519 (VCV001051519.9), dbSNP rs377247120, ClinGen allele CA8140653.

ClinVar aggregate classification (germline): Uncertain significance (1 of 4 stars; one submission).

Conditions:
Charcot-Marie-Tooth disease type 2. Also called: Charcot-Marie-Tooth type 2. Identifiers: Orphanet 64746, MedGen C0270914, MONDO:0018993.

Allele frequency attached by ClinVar (database versions not stated): gnomAD exomes below 0.00001; TOPMed below 0.00001; ExAC 0.00001; ESP Exome Variant Server 0.00008.
gnomAD v4.1: 2 of 1,614,132 alleles (0.00012%); highest among the groups gnomAD compares: Non-Finnish European, 0.00017%; no homozygotes.

Submission:

Labcorp Genetics (formerly Invitae), Labcorp
Classification: Uncertain significance for Charcot-Marie-Tooth disease type 2. Last evaluated: 2022-06-20. Review status: criteria provided, single submitter. Criteria: Invitae Variant Classification Sherloc (09022015). Collection method: clinical testing. Allele origin: germline.
Comment: This variant is present in population databases (rs377247120, gnomAD 0.0009%). In summary, the available evidence is currently insufficient to determine the role of this variant in disease. Therefore, it has been classified as a Variant of Uncertain Significance. Algorithms developed to predict the effect of missense changes on protein structure and function are either unavailable or do not agree on the potential impact of this missense change (SIFT: "Deleterious"; PolyPhen-2: "Benign"; Align-GVGD: "Class C0"). ClinVar contains an entry for this variant (Variation ID: 1051519). This variant has not been reported in the literature in individuals affected with AARS-related conditions. This sequence change replaces alanine, which is neutral and non-polar, with threonine, which is neutral and polar, at codon 607 of the AARS protein (p.Ala607Thr).